The following is an entry in ClinVar:

NM_001771.4(CD22):c.2006G>A (p.Arg669His)

Gene: CD22 (CD22 molecule; plus strand). Cytogenetic location: 19q13.12.
Variant type: single nucleotide variant.
Coding change: c.2006G>A on transcript NM_001771.4 (MANE Select); coding-DNA position 2006, G replaced by A.
Protein change: p.Arg669His; replaces arginine 669 with histidine.
Molecular consequence: missense variant.
Genome position (GRCh38, 1-based): chr19:35,341,936, G>A. VCF-style: chr19-35341936-G-A. GRCh37 (hg19) VCF-style: chr19-35832839-G-A.
Other names: c.1742G>A, p.Arg581His (NM_001185099.2); c.2006G>A, p.Arg669His (NM_001185100.2); c.1475G>A, p.Arg492His (NM_001185101.2); c.1490G>A, p.Arg497His (NM_001278417.2); c.2006G>A (NM_001771.3); short protein forms R492H, R497H, R581H, R669H.
Identifiers: ClinVar variation 626074 (VCV000626074.4), dbSNP rs140037563, ClinGen allele CA9377004.

ClinVar aggregate classification (germline): Conflicting classifications of pathogenicity. Review status: criteria provided, conflicting classifications (1 of 4 stars). 3 submissions from 3 submitters: Uncertain significance (2); Likely benign (1). Last evaluated 2025-11-08.

Allele frequency attached by ClinVar (database versions not stated): 1000 Genomes Project 30x 0.00109; TOPMed 0.00122; ESP Exome Variant Server 0.00169; 1000 Genomes Project 0.00100; gnomAD 0.00179.
gnomAD v4.1: 2,467 of 1,613,524 alleles (0.15%); highest among the groups gnomAD compares: Admixed American, 0.2%; 3 homozygotes.

Submissions (3):

Ambry Genetics
Classification: Likely benign. Last evaluated: 2025-11-08. Review status: criteria provided, single submitter. Criteria: Ambry Variant Classification Scheme 2023. Collection method: clinical testing. Allele origin: germline.

Center for Genomics, Ann and Robert H. Lurie Children's Hospital of Chicago
Classification: Uncertain significance. Last evaluated: 2021-03-30. Review status: criteria provided, single submitter. Criteria: ACMG Guidelines, 2015. Collection method: clinical testing. Allele origin: germline.
Comment: CD22 NM_001771.3 exon 9 p.Arg669His (c.2006G>A): This variant has not been reported in the literature but is present in 0.2% (266/128636) of European alleles in the Genome Aggregation Database. This variant amino acid Histidine (His) is present in >10 species; this suggests that this variant may not impact the protein. Additional computational prediction tools do not suggest an impact. In summary, data on this variant is insufficient for disease classification. Therefore, the clinical significance of this variant is uncertain.

Breakthrough Genomics
Classification: Uncertain significance. Review status: criteria provided, single submitter. Criteria: ACMG Guidelines, 2015. Collection method: not provided. Allele origin: germline. Inheritance: Autosomal dominant inheritance. Affected: yes.